The following is an entry in ClinVar:

NM_005343.4(HRAS):c.111+14C>T

Genes: HRAS (HRas proto-oncogene, GTPase; minus strand), LRRC56 (leucine rich repeat containing 56; plus strand). Cytogenetic location: 11p15.5.
Variant type: single nucleotide variant.
Coding change: c.111+14C>T on transcript NM_005343.4 (MANE Select); 14 bases into the intron after coding-DNA position 111, C replaced by T.
Molecular consequence: intron variant.
Genome position (GRCh38, 1-based): chr11:534,198, G>A on the plus strand (C>T on the coding strand, the complement: HRAS is on the minus strand). VCF-style: chr11-534198-G-A. GRCh37 (hg19) VCF-style: chr11-534198-G-A.
Other names: c.111+14C>T (NM_001130442.3, NM_176795.5); c.-209+14C>T (NM_001318054.2).
Identifiers: ClinVar variation 515847 (VCV000515847.10), dbSNP rs372917082, ClinGen allele CA5779422.

ClinVar aggregate classification (germline): Likely benign. Review status: criteria provided, multiple submitters, no conflicts (2 of 4 stars). 3 submissions from 3 submitters: Likely benign (3). Last evaluated 2025-12-08.

Conditions:
Costello syndrome (CSTLO). Also called: HRAS-Related Costello Syndrome; FACIOCUTANEOSKELETAL SYNDROME; FCS SYNDROME. Identifiers: Orphanet 3071, MedGen C0587248, MONDO:0009026, OMIM 218040.

Allele frequency attached by ClinVar (database versions not stated): ExAC 0.00001; gnomAD 0.00001 and 0.00002; gnomAD exomes 0.00002; TOPMed 0.00002; ESP Exome Variant Server 0.00008.
gnomAD v4.1: 43 of 1,594,134 alleles (0.0027%); highest among the groups gnomAD compares: Non-Finnish European, 0.0034%; no homozygotes.

Submissions (3):

Labcorp Genetics (formerly Invitae), Labcorp
Classification: Likely benign for Costello syndrome. Last evaluated: 2025-12-08. Review status: criteria provided, single submitter. Criteria: Invitae Variant Classification Sherloc (09022015). Collection method: clinical testing. Allele origin: germline.

Blueprint Genetics
Classification: Likely benign. Last evaluated: 2024-09-10. Review status: criteria provided, single submitter. Criteria: ACMG Guidelines, 2015. Collection method: clinical testing. Allele origin: germline.

GeneDx
Classification: Likely benign. Last evaluated: 2018-03-01. Review status: criteria provided, single submitter. Criteria: GeneDx Variant Classification (06012015). Collection method: clinical testing. Allele origin: germline. Affected: yes.
Comment: This variant is considered likely benign or benign based on one or more of the following criteria: it is a conservative change, it occurs at a poorly conserved position in the protein, it is predicted to be benign by multiple in silico algorithms, and/or has population frequency not consistent with disease.